The following is an entry in ClinVar:

NM_002439.5(MSH3):c.1190C>T (p.Thr397Ile)

Gene: MSH3 (mutS homolog 3; plus strand). Cytogenetic location: 5q14.1.
Variant type: single nucleotide variant.
Coding change: c.1190C>T on transcript NM_002439.5 (MANE Select); coding-DNA position 1190, C replaced by T.
Protein change: p.Thr397Ile; replaces threonine 397 with isoleucine.
Molecular consequence: missense variant.
Genome position (GRCh38, 1-based): chr5:80,678,943, C>T. VCF-style: chr5-80678943-C-T. GRCh37 (hg19) VCF-style: chr5-79974762-C-T.
Other names: short protein forms T397I.
Identifiers: ClinVar variation 1063960 (VCV001063960.13), dbSNP rs773157190, ClinGen allele CA3327832.

ClinVar aggregate classification (germline): Uncertain significance. Review status: criteria provided, multiple submitters, no conflicts (2 of 4 stars). 3 submissions from 3 submitters: Uncertain significance (3). Last evaluated 2025-05-21.

Conditions:
Endometrial carcinoma. Also called: Endometrial carcinoma, somatic. Identifiers: MedGen C0476089, MONDO:0002447, OMIM 608089, HP:0012114.
Familial adenomatous polyposis 4 (FAP4). Also called: MSH3-related attenuated familial adenomatous polyposis. Identifiers: Orphanet 480536, MedGen C4310719, MONDO:0044300, OMIM 617100.
Hereditary cancer-predisposing syndrome. Also called: Hereditary Cancer Syndrome; Hereditary neoplastic syndrome; Neoplastic Syndromes, Hereditary; Tumor predisposition. Identifiers: Orphanet 140162, MedGen C0027672, MeSH D009386, MONDO:0015356.

Allele frequency attached by ClinVar (database versions not stated): gnomAD exomes below 0.00001; ExAC 0.00001; gnomAD 0.00001.
gnomAD v4.1: 4 of 1,614,016 alleles (0.00025%); highest among the groups gnomAD compares: Non-Finnish European, 0.000085%; no homozygotes.

Submissions (3):

Ambry Genetics
Classification: Uncertain significance for Hereditary cancer-predisposing syndrome. Last evaluated: 2025-05-21. Review status: criteria provided, single submitter. Criteria: Ambry Variant Classification Scheme 2023. Collection method: clinical testing. Allele origin: germline.
Comment: The p.T397I variant (also known as c.1190C>T), located in coding exon 8 of the MSH3 gene, results from a C to T substitution at nucleotide position 1190. The threonine at codon 397 is replaced by isoleucine, an amino acid with similar properties. This amino acid position is conserved. In addition, this alteration is predicted to be deleterious by in silico analysis. Since supporting evidence is limited at this time, the clinical significance of this alteration remains unclear.

Labcorp Genetics (formerly Invitae), Labcorp
Classification: Uncertain significance. Last evaluated: 2025-03-17. Review status: criteria provided, single submitter. Criteria: Invitae Variant Classification Sherloc (09022015). Collection method: clinical testing. Allele origin: germline.
Comment: This sequence change replaces threonine, which is neutral and polar, with isoleucine, which is neutral and non-polar, at codon 397 of the MSH3 protein (p.Thr397Ile). This variant is present in population databases (rs773157190, gnomAD 0.004%). This variant has not been reported in the literature in individuals affected with MSH3-related conditions. ClinVar contains an entry for this variant (Variation ID: 1063960). An algorithm developed to predict the effect of missense changes on protein structure and function (PolyPhen-2) suggests that this variant is likely to be disruptive. In summary, the available evidence is currently insufficient to determine the role of this variant in disease. Therefore, it has been classified as a Variant of Uncertain Significance.

Fulgent Genetics
Classification: Uncertain significance for Endometrial carcinoma; Familial adenomatous polyposis 4. Last evaluated: 2024-05-22. Review status: criteria provided, single submitter. Criteria: ACMG Guidelines, 2015. Collection method: clinical testing. Allele origin: germline.